The following is an entry in ClinVar:

NM_000489.6(ATRX):c.2752A>G (p.Thr918Ala)

Gene: ATRX (ATRX chromatin remodeler; minus strand). Cytogenetic location: Xq21.1.
Variant type: single nucleotide variant.
Coding change: c.2752A>G on transcript NM_000489.6 (MANE Select); coding-DNA position 2752, A replaced by G.
Protein change: p.Thr918Ala; replaces threonine 918 with alanine.
Molecular consequence: missense variant.
Genome position (GRCh38, 1-based): chrX:77,682,504, T>C on the plus strand (A>G on the coding strand, the complement: ATRX is on the minus strand). VCF-style: chrX-77682504-T-C. GRCh37 (hg19) VCF-style: chrX-76937996-T-C.
Other names: c.2638A>G, p.Thr880Ala (NM_138270.5); short protein forms T918A, T880A.
Identifiers: ClinVar variation 663261 (VCV000663261.9), dbSNP rs1603218619, ClinGen allele CA413710667.

ClinVar aggregate classification (germline): Uncertain significance (1 of 4 stars; one submission).

Conditions:
Alpha thalassemia-X-linked intellectual disability syndrome (ATRX). Also called: ALPHA-THALASSEMIA/IMPAIRED INTELLECTUAL DEVELOPMENT SYNDROME, X-LINKED; ALPHA-THALASSEMIA/MENTAL RETARDATION SYNDROME, X-LINKED; ATR, NONDELETION TYPE; X-linked alpha-thalassemia-mental retardation syndrome; ATR-X syndrome; Alpha thalassemia mental retardation syndrome, nondeletion type, X-linked. Identifiers: Orphanet 847, MedGen C1845055, MONDO:0010519, OMIM 301040.

Submission:

Labcorp Genetics (formerly Invitae), Labcorp
Classification: Uncertain significance for Alpha thalassemia-X-linked intellectual disability syndrome. Last evaluated: 2020-01-22. Review status: criteria provided, single submitter. Criteria: Invitae Variant Classification Sherloc (09022015). Collection method: clinical testing. Allele origin: germline.
Comment: In summary, the available evidence is currently insufficient to determine the role of this variant in disease. Therefore, it has been classified as a Variant of Uncertain Significance. Algorithms developed to predict the effect of missense changes on protein structure and function are either unavailable or do not agree on the potential impact of this missense change (SIFT: "Deleterious"; PolyPhen-2: "Benign"; Align-GVGD: "Class C0"). This variant has not been reported in the literature in individuals with ATRX-related disease. This variant is not present in population databases (ExAC no frequency). This sequence change replaces threonine with alanine at codon 918 of the ATRX protein (p.Thr918Ala). The threonine residue is weakly conserved and there is a small physicochemical difference between threonine and alanine.